The following is an entry in ClinVar:

NC_000009.12:g.(?_132896215)_(132904474_?)del

Gene: TSC1 (TSC complex subunit 1; minus strand). Cytogenetic location: 9q34.13.
Variant type: Deletion.
Identifiers: ClinVar variation 583495 (VCV000583495.7).

ClinVar aggregate classification (germline): Pathogenic (1 of 4 stars; one submission).

Conditions:
Tuberous sclerosis 1 (TSC1). Identifiers: Orphanet 805, MedGen C1854465, MONDO:0008612, OMIM 191100.

Submission:

Labcorp Genetics (formerly Invitae), Labcorp
Classification: Pathogenic for Tuberous sclerosis 1. Last evaluated: 2018-05-03. Review status: criteria provided, single submitter. Criteria: Invitae Variant Classification Sherloc (09022015). Collection method: clinical testing. Allele origin: germline.
Comment: This variant is a gross deletion of the genomic region encompassing exons 16-23 of the TSC1 gene. The 5' boundary is likely confined to intron 15. The 3' end of this event is unknown as it extends through the termination codon beyond the assayed region for this gene and may encompass additional genes. While this deletion is not anticipated to result in nonsense mediated decay, it is expected to create a truncated protein product or disrupt mRNA translation. This variant has not been reported in the literature in individuals with TSC1-related disease. A sub-genic deletion of exons 21-23 has been determined to be pathogenic (PMID: 17287951, 11281455, 16225402). Therefore, deletions that fully encompass that region are also expected to be pathogenic. For these reasons, this variant has been classified as Pathogenic.

Literature cited by the submitters: PubMed 17287951; PubMed 11281455; PubMed 16225402.